The following is an entry in ClinVar:

ClinVar aggregate classification (germline): Uncertain significance. Review status: criteria provided, multiple submitters, no conflicts (2 of 4 stars). 2 submissions from 2 submitters: Uncertain significance (2). Last evaluated 2025-04-13.

Conditions:
Hereditary cancer-predisposing syndrome. Also called: Tumor predisposition; Hereditary neoplastic syndrome; Neoplastic Syndromes, Hereditary; Hereditary Cancer Syndrome. Identifiers: Orphanet 140162, MedGen C0027672, MeSH D009386, MONDO:0015356.
Cardiovascular phenotype. Identifiers: MedGen CN230736.
Neurofibromatosis, type 1 (NF1). Also called: Peripheral type neurofibromatosis; NEUROFIBROMATOSIS, TYPE I, SOMATIC; Neurofibromatosis, type I; VON RECKLINGHAUSEN DISEASE. Identifiers: Orphanet 636, MedGen C0027831, MONDO:0018975, OMIM 162200. Disease mechanism: loss of function.

gnomAD v4.1: 2 of 1,613,938 alleles (0.00012%); highest among the groups gnomAD compares: Non-Finnish European, 0.00017%; no homozygotes.

Submissions (2):

Labcorp Genetics (formerly Invitae), Labcorp
Classification: Uncertain significance for Neurofibromatosis, type 1. Last evaluated: 2025-04-13. Review status: criteria provided, single submitter. Criteria: Invitae Variant Classification Sherloc (09022015). Collection method: clinical testing. Allele origin: germline.
Comment: This sequence change replaces arginine, which is basic and polar, with cysteine, which is neutral and slightly polar, at codon 1488 of the NF1 protein (p.Arg1488Cys). This variant is not present in population databases (gnomAD no frequency). This variant has not been reported in the literature in individuals affected with NF1-related conditions. ClinVar contains an entry for this variant (Variation ID: 220020). Invitae Evidence Modeling of protein sequence and biophysical properties (such as structural, functional, and spatial information, amino acid conservation, physicochemical variation, residue mobility, and thermodynamic stability) indicates that this missense variant is expected to disrupt NF1 protein function with a positive predictive value of 95%. In summary, the available evidence is currently insufficient to determine the role of this variant in disease. Therefore, it has been classified as a Variant of Uncertain Significance.

Ambry Genetics
Classification: Uncertain significance for Cardiovascular phenotype; Hereditary cancer-predisposing syndrome. Last evaluated: 2025-03-02. Review status: criteria provided, single submitter. Criteria: Ambry Variant Classification Scheme 2023. Collection method: clinical testing. Allele origin: germline.
Comment: The p.R1488C variant (also known as c.4462C>T), located in coding exon 33 of the NF1 gene, results from a C to T substitution at nucleotide position 4462. The arginine at codon 1488 is replaced by cysteine, an amino acid with highly dissimilar properties. This amino acid position is highly conserved in available vertebrate species. In addition, this alteration is predicted to be deleterious by in silico analysis. Since supporting evidence is limited at this time, the clinical significance of this alteration remains unclear.

NM_001042492.3(NF1):c.4525C>T (p.Arg1509Cys)

Gene: NF1 (neurofibromin 1; plus strand). Cytogenetic location: 17q11.2.
Variant type: single nucleotide variant.
Coding change: c.4525C>T on transcript NM_001042492.3 (MANE Select); coding-DNA position 4525, C replaced by T.
Protein change: p.Arg1509Cys; replaces arginine 1509 with cysteine.
Molecular consequence: missense variant.
Genome position (GRCh38, 1-based): chr17:31,260,463, C>T. VCF-style: chr17-31260463-C-T. GRCh37 (hg19) VCF-style: chr17-29587481-C-T.
Other names: c.4462C>T, p.Arg1488Cys (NM_000267.4); short protein forms R1509C, R1488C.
Identifiers: ClinVar variation 220020 (VCV000220020.8), dbSNP rs864622348, ClinGen allele CA348378.